The following is an entry in ClinVar:

ClinVar aggregate classification (germline): Benign/Likely benign. Review status: criteria provided, multiple submitters, no conflicts (2 of 4 stars). 6 submissions from 5 submitters: Benign (5); Likely benign (1). Last evaluated 2026-01-27.

Conditions:
Fibromuscular dysplasia, multifocal. Identifiers: MedGen C5543412, MONDO:0859151, OMIM 619329.
Ehlers-Danlos syndrome, classic type, 1 (EDSCL1). Also called: Ehlers-Danlos Syndrome, Classic Type, COL5A1-Related; EHLERS-DANLOS SYNDROME, GRAVIS TYPE; EHLERS-DANLOS SYNDROME, SEVERE CLASSIC TYPE; Ehlers-Danlos syndrome, type 1; EDS I. Identifiers: MedGen C0268335, MONDO:0019567, OMIM 130000.

Allele frequency attached by ClinVar (database versions not stated): TOPMed 0.00216; 1000 Genomes Project 0.00080; gnomAD exomes 0.00021 and 0.00050; ExAC 0.00057; 1000 Genomes Project 30x 0.00062; gnomAD 0.00210 and 0.00239; ESP Exome Variant Server 0.00246.
gnomAD v4.1: 644 of 1,613,276 alleles (0.04%); highest among the groups gnomAD compares: African/African-American, 0.76%; 6 homozygotes.

Submissions (6):

Labcorp Genetics (formerly Invitae), Labcorp
Classification: Benign for Ehlers-Danlos syndrome, classic type, 1. Last evaluated: 2026-01-27. Review status: criteria provided, single submitter. Criteria: Invitae Variant Classification Sherloc (09022015). Collection method: clinical testing. Allele origin: germline.

Women's Health and Genetics/Laboratory Corporation of America, LabCorp
Classification: Benign. Last evaluated: 2023-07-21. Review status: criteria provided, single submitter. Criteria: LabCorp Variant Classification Summary - May 2015. Collection method: clinical testing. Allele origin: germline.

Genome-Nilou Lab
Classification: Benign for Ehlers-Danlos syndrome, classic type, 1. Last evaluated: 2022-03-15. Review status: criteria provided, single submitter. Criteria: ACMG Guidelines, 2015. Collection method: clinical testing. Allele origin: germline. Affected: no.

Genome-Nilou Lab
Classification: Benign for Fibromuscular dysplasia, multifocal. Last evaluated: 2022-03-15. Review status: criteria provided, single submitter. Criteria: ACMG Guidelines, 2015. Collection method: clinical testing. Allele origin: germline. Affected: no.

GeneDx
Classification: Benign. Last evaluated: 2014-07-31. Review status: criteria provided, single submitter. Criteria: GeneDx Variant Classification (06012015). Collection method: clinical testing. Allele origin: germline. Affected: yes.
Comment: This variant is considered likely benign or benign based on one or more of the following criteria: it is a conservative change, it occurs at a poorly conserved position in the protein, it is predicted to be benign by multiple in silico algorithms, and/or has population frequency not consistent with disease.

PreventionGenetics, part of Exact Sciences
Classification: Likely benign. Review status: criteria provided, single submitter. Criteria: ACMG Guidelines, 2015. Collection method: clinical testing. Allele origin: germline.

NM_000093.5(COL5A1):c.110-19T>C

Gene: COL5A1 (collagen type V alpha 1 chain; plus strand). Cytogenetic location: 9q34.3.
Variant type: single nucleotide variant.
Coding change: c.110-19T>C on transcript NM_000093.5 (MANE Select); 19 bases into the intron before coding-DNA position 110, T replaced by C.
Molecular consequence: intron variant.
Genome position (GRCh38, 1-based): chr9:134,690,893, T>C. VCF-style: chr9-134690893-T-C. GRCh37 (hg19) VCF-style: chr9-137582739-T-C.
Other names: c.110-19T>C (NM_001278074.1).
Identifiers: ClinVar variation 212914 (VCV000212914.12), dbSNP rs148294644, ClinGen allele CA322348.
Genomic context (GRCh38, chr9:134,690,893, plus strand): 5'-CTGTCATCCCAGCTTCCGGGTGTTCCCAGGTGCTCCTTTCCTCTCCGTGGCTAACTCTGC[T>C]CCTCCTCTGTCATTTCAGCTCAGCCAGCAGATCTCCTGAAGGTTCTAGATTTTCACAACT-3'